The following is an entry in ClinVar:

ClinVar aggregate classification (germline): Uncertain significance (1 of 4 stars; one submission).

Allele frequency attached by ClinVar (database versions not stated): gnomAD 0.00001.
gnomAD v4.1: 4 of 1,366,030 alleles (0.00029%); highest among the groups gnomAD compares: East Asian, 0.0031%; no homozygotes.

Submission:

Labcorp Genetics (formerly Invitae), Labcorp
Classification: Uncertain significance. Last evaluated: 2024-04-10. Review status: criteria provided, single submitter. Criteria: Invitae Variant Classification Sherloc (09022015). Collection method: clinical testing. Allele origin: germline.
Comment: This sequence change replaces aspartic acid, which is acidic and polar, with histidine, which is basic and polar, at codon 63 of the DNAH9 protein (p.Asp63His). This variant is not present in population databases (gnomAD no frequency). This variant has not been reported in the literature in individuals affected with DNAH9-related conditions. ClinVar contains an entry for this variant (Variation ID: 1401154). An algorithm developed to predict the effect of missense changes on protein structure and function (PolyPhen-2) suggests that this variant is likely to be tolerated. In summary, the available evidence is currently insufficient to determine the role of this variant in disease. Therefore, it has been classified as a Variant of Uncertain Significance.

NM_001372.4(DNAH9):c.187G>C (p.Asp63His)

Gene: DNAH9 (dynein axonemal heavy chain 9; plus strand). Cytogenetic location: 17p12.
Variant type: single nucleotide variant.
Coding change: c.187G>C on transcript NM_001372.4 (MANE Select); coding-DNA position 187, G replaced by C.
Protein change: p.Asp63His; replaces aspartic acid 63 with histidine.
Molecular consequence: missense variant.
Genome position (GRCh38, 1-based): chr17:11,598,685, G>C. VCF-style: chr17-11598685-G-C. GRCh37 (hg19) VCF-style: chr17-11502002-G-C.
Other names: short protein forms D63H.
Identifiers: ClinVar variation 1401154 (VCV001401154.6), dbSNP rs1490528559, ClinGen allele CA398153912.